The following is an entry in ClinVar:

ClinVar aggregate classification (germline): Uncertain significance (1 of 4 stars; one submission).

Submission:

Labcorp Genetics (formerly Invitae), Labcorp
Classification: Uncertain significance. Last evaluated: 2024-06-25. Review status: criteria provided, single submitter. Criteria: Invitae Variant Classification Sherloc (09022015). Collection method: clinical testing. Allele origin: germline.
Comment: This sequence change creates a premature translational stop signal (p.Leu377Trpfs*26) in the CAMK2B gene. It is expected to result in an absent or disrupted protein product. However, the current clinical and genetic evidence is not sufficient to establish whether loss-of-function variants in CAMK2B cause disease. This variant is not present in population databases (gnomAD no frequency). This variant has not been reported in the literature in individuals affected with CAMK2B-related conditions. In summary, the available evidence is currently insufficient to determine the role of this variant in disease. Therefore, it has been classified as a Variant of Uncertain Significance.

NM_001220.5(CAMK2B):c.1129del (p.Leu377fs)

Gene: CAMK2B (calcium/calmodulin dependent protein kinase II beta; minus strand). Cytogenetic location: 7p13.
Variant type: Deletion.
Coding change: c.1129del on transcript NM_001220.5 (MANE Select); coding-DNA position 1129, one base deleted (C; older notation c.1129delC).
Protein change: p.Leu377fs; shifts the reading frame from leucine 377.
Molecular consequence: frameshift variant. On other transcripts: intron variant (3).
Genome position (GRCh38, 1-based): chr7:44,234,392, G deleted on the plus strand (C on the coding strand, the reverse complement: CAMK2B is on the minus strand); the first of 3 consecutive G bases (chr7:44,234,392-44,234,394); deleting any one gives the same sequence. VCF-style (leftmost placement, unchanged base first): chr7-44234391-AG-A. GRCh37 (hg19) VCF-style: chr7-44273990-AG-A.
Other names: c.1129del, p.Leu377fs (NM_001293170.2, NM_172078.3); c.1057del, p.Leu353fs (NM_172079.3, NM_172081.3); c.1054del, p.Leu352fs (NM_172080.3); c.946+6315del (NM_172084.3); c.987+247del (NM_172083.3); c.1059+247del (NM_172082.3); short protein forms L353fs, L352fs, L377fs.
Identifiers: ClinVar variation 3656918 (VCV003656918.2).